The following is an entry in ClinVar:

ClinVar aggregate classification (germline): Uncertain significance (1 of 4 stars; one submission).

Submission:

GeneDx
Classification: Uncertain significance. Last evaluated: 2024-08-07. Review status: criteria provided, single submitter. Criteria: GeneDx Variant Classification Process June 2021. Collection method: clinical testing. Allele origin: germline. Affected: yes.
Comment: Not observed at significant frequency in large population cohorts (gnomAD); In silico analysis supports that this missense variant has a deleterious effect on protein structure/function; Has not been previously published as pathogenic or benign to our knowledge

NM_006904.7(PRKDC):c.11313G>T (p.Met3771Ile)

Gene: PRKDC (protein kinase, DNA-activated, catalytic subunit; minus strand). Cytogenetic location: 8q11.21.
Variant type: single nucleotide variant.
Coding change: c.11313G>T on transcript NM_006904.7 (MANE Select); coding-DNA position 11313, G replaced by T.
Protein change: p.Met3771Ile; replaces methionine 3771 with isoleucine.
Molecular consequence: missense variant.
Genome position (GRCh38, 1-based): chr8:47,782,461, C>A on the plus strand (G>T on the coding strand, the complement: PRKDC is on the minus strand). VCF-style: chr8-47782461-C-A. GRCh37 (hg19) VCF-style: chr8-48695022-C-A.
Other names: c.11313G>T, p.Met3771Ile (NM_001081640.2); short protein forms M3771I.
Identifiers: ClinVar variation 3603171 (VCV003603171.1).